The following is an entry in ClinVar:

ClinVar aggregate classification (germline): Uncertain significance. Review status: criteria provided, multiple submitters, no conflicts (2 of 4 stars). 2 submissions from 2 submitters: Uncertain significance (2). Last evaluated 2025-05-10.

Allele frequency attached by ClinVar (database versions not stated): TOPMed 0.00002; gnomAD 0.00003; ExAC 0.00001; gnomAD exomes 0.00002.
gnomAD v4.1: 35 of 1,614,012 alleles (0.0022%); highest among the groups gnomAD compares: Non-Finnish European, 0.003%; no homozygotes.

Submissions (2):

Labcorp Genetics (formerly Invitae), Labcorp
Classification: Uncertain significance. Last evaluated: 2025-05-10. Review status: criteria provided, single submitter. Criteria: Invitae Variant Classification Sherloc (09022015). Collection method: clinical testing. Allele origin: germline.
Comment: This sequence change replaces proline, which is neutral and non-polar, with leucine, which is neutral and non-polar, at codon 294 of the KANK4 protein (p.Pro294Leu). This variant is present in population databases (rs775900675, gnomAD 0.002%). This variant has not been reported in the literature in individuals affected with KANK4-related conditions. ClinVar contains an entry for this variant (Variation ID: 2302533). An algorithm developed to predict the effect of missense changes on protein structure and function outputs the following: PolyPhen-2: "Probably Damaging". The leucine amino acid residue is found in multiple mammalian species, which suggests that this missense change does not adversely affect protein function. In summary, the available evidence is currently insufficient to determine the role of this variant in disease. Therefore, it has been classified as a Variant of Uncertain Significance.

Ambry Genetics
Classification: Uncertain significance. Last evaluated: 2022-07-20. Review status: criteria provided, single submitter. Criteria: Ambry Variant Classification Scheme 2023. Collection method: clinical testing. Allele origin: germline.

NM_181712.5(KANK4):c.881C>T (p.Pro294Leu)

Gene: KANK4 (KN motif and ankyrin repeat domains 4; minus strand). Cytogenetic location: 1p31.3.
Variant type: single nucleotide variant.
Coding change: c.881C>T on transcript NM_181712.5 (MANE Select); coding-DNA position 881, C replaced by T.
Protein change: p.Pro294Leu; replaces proline 294 with leucine.
Molecular consequence: missense variant. On other transcripts: intron variant (1).
Genome position (GRCh38, 1-based): chr1:62,274,223, G>A on the plus strand (C>T on the coding strand, the complement: KANK4 is on the minus strand). VCF-style: chr1-62274223-G-A. GRCh37 (hg19) VCF-style: chr1-62739895-G-A.
Other names: c.17-2634C>T (NM_001320269.2); short protein forms P294L.
Identifiers: ClinVar variation 2302533 (VCV002302533.4), dbSNP rs775900675, ClinGen allele CA884469.
Genomic context (GRCh38, chr1:62,274,223, plus strand): 5'-GGCGGGGGTGGAATCTCGCTGATGTTGAGCTCGATTTCTTCCAGGAGGAGCTCATTCTCA[G>A]GGATGGGTGATGGCAGAGGTGGCGGGCTTGGCGTAGGGGAGCCAGGGGTGAACAACACCT-3'
Protein context (NP_859063.3, residues 284-304): PSPPPLPSPI[Pro294Leu]ENELLLEEIE